The following is an entry in ClinVar:

ClinVar aggregate classification (germline): Uncertain significance (1 of 4 stars; one submission).

Submission:

Labcorp Genetics (formerly Invitae), Labcorp
Classification: Uncertain significance. Last evaluated: 2024-04-09. Review status: criteria provided, single submitter. Criteria: Invitae Variant Classification Sherloc (09022015). Collection method: clinical testing. Allele origin: germline.
Comment: This sequence change replaces phenylalanine, which is neutral and non-polar, with isoleucine, which is neutral and non-polar, at codon 439 of the SIAE protein (p.Phe439Ile). This variant is not present in population databases (gnomAD no frequency). This variant has not been reported in the literature in individuals affected with SIAE-related conditions. An algorithm developed to predict the effect of missense changes on protein structure and function (PolyPhen-2) suggests that this variant is likely to be disruptive. In summary, the available evidence is currently insufficient to determine the role of this variant in disease. Therefore, it has been classified as a Variant of Uncertain Significance.

NM_170601.5(SIAE):c.1315T>A (p.Phe439Ile)

Gene: SIAE (sialic acid acetylesterase; minus strand). Cytogenetic location: 11q24.2.
Variant type: single nucleotide variant.
Coding change: c.1315T>A on transcript NM_170601.5 (MANE Select); coding-DNA position 1315, T replaced by A.
Protein change: p.Phe439Ile; replaces phenylalanine 439 with isoleucine.
Molecular consequence: missense variant.
Genome position (GRCh38, 1-based): chr11:124,638,547, A>T on the plus strand (T>A on the coding strand, the complement: SIAE is on the minus strand). VCF-style: chr11-124638547-A-T. GRCh37 (hg19) VCF-style: chr11-124508443-A-T.
Other names: c.1210T>A, p.Phe404Ile (NM_001199922.2); short protein forms F404I, F439I.
Identifiers: ClinVar variation 3690706 (VCV003690706.2).
Genomic context (GRCh38, chr11:124,638,547, plus strand): 5'-GAAATCTTGACTCCACCACAAAATGAACCCCTGTTTATTCTGCTGTTCTTCTCACCTCAA[A>T]TATCTTGTTGTCCTTTTTCTGCACCTGGATTTGCTGGTAATATGTGAGATTGAGCAGCCC-3'
Protein context (NP_733746.1, residues 429-449): IQVQKKDNKI[Phe439Ile]EISCCSDHRC